The following is an entry in ClinVar:

ClinVar aggregate classification (germline): Uncertain significance (1 of 4 stars; one submission).

Conditions:
Arterial tortuosity syndrome (ATORS). Identifiers: Orphanet 3342, MedGen C1859726, MONDO:0008818, OMIM 208050.

Allele frequency attached by ClinVar (database versions not stated): gnomAD exomes below 0.00001; ExAC 0.00001.
gnomAD v4.1: 1 of 1,614,192 alleles (0.000062%); highest among the groups gnomAD compares: Admixed American, 0.0017%; no homozygotes.

Submission:

Labcorp Genetics (formerly Invitae), Labcorp
Classification: Uncertain significance for Arterial tortuosity syndrome. Last evaluated: 2021-02-25. Review status: criteria provided, single submitter. Criteria: Invitae Variant Classification Sherloc (09022015). Collection method: clinical testing. Allele origin: germline.
Comment: This sequence change replaces arginine with threonine at codon 446 of the SLC2A10 protein (p.Arg446Thr). The arginine residue is highly conserved and there is a moderate physicochemical difference between arginine and threonine. This variant is present in population databases (rs761324818, ExAC 0.009%). This variant has not been reported in the literature in individuals with SLC2A10-related conditions. Advanced modeling of protein sequence and biophysical properties (such as structural, functional, and spatial information, amino acid conservation, physicochemical variation, residue mobility, and thermodynamic stability) performed at Invitae indicates that this missense variant is expected to disrupt SLC2A10 protein function. In summary, the available evidence is currently insufficient to determine the role of this variant in disease. Therefore, it has been classified as a Variant of Uncertain Significance.

NM_030777.4(SLC2A10):c.1337G>C (p.Arg446Thr)

Gene: SLC2A10 (solute carrier family 2 member 10; plus strand). Cytogenetic location: 20q13.12.
Variant type: single nucleotide variant.
Coding change: c.1337G>C on transcript NM_030777.4 (MANE Select); coding-DNA position 1337, G replaced by C.
Protein change: p.Arg446Thr; replaces arginine 446 with threonine.
Molecular consequence: missense variant.
Genome position (GRCh38, 1-based): chr20:46,726,912, G>C. VCF-style: chr20-46726912-G-C. GRCh37 (hg19) VCF-style: chr20-45355551-G-C.
Other names: short protein forms R446T.
Identifiers: ClinVar variation 1405917 (VCV001405917.8), dbSNP rs761324818, ClinGen allele CA9892169.